The following is an entry in ClinVar:

NM_001376.5(DYNC1H1):c.6125C>A (p.Thr2042Asn)

Gene: DYNC1H1 (dynein cytoplasmic 1 heavy chain 1; plus strand). Cytogenetic location: 14q32.31.
Variant type: single nucleotide variant.
Coding change: c.6125C>A on transcript NM_001376.5 (MANE Select); coding-DNA position 6125, C replaced by A.
Protein change: p.Thr2042Asn; replaces threonine 2042 with asparagine.
Molecular consequence: missense variant.
Genome position (GRCh38, 1-based): chr14:102,009,990, C>A. VCF-style: chr14-102009990-C-A. GRCh37 (hg19) VCF-style: chr14-102476327-C-A.
Other names: short protein forms T2042N.
Identifiers: ClinVar variation 2706598 (VCV002706598.3), dbSNP rs2152577533, ClinGen allele CA391053224.

ClinVar aggregate classification (germline): Uncertain significance (1 of 4 stars; one submission).

Conditions:
Charcot-Marie-Tooth disease axonal type 2O. Also called: Charcot-Marie-Tooth disease, axonal, type 20; CHARCOT-MARIE-TOOTH NEUROPATHY, AXONAL, TYPE 2O; CHARCOT-MARIE-TOOTH DISEASE, AXONAL, AUTOSOMAL DOMINANT, TYPE 2O; Charcot-Marie-Tooth Neuropathy Type 2O. Identifiers: Orphanet 284232, MedGen C3280220, MONDO:0013644, OMIM 614228.

Submission:

Labcorp Genetics (formerly Invitae), Labcorp
Classification: Uncertain significance for Charcot-Marie-Tooth disease axonal type 2O. Last evaluated: 2023-12-30. Review status: criteria provided, single submitter. Criteria: Invitae Variant Classification Sherloc (09022015). Collection method: clinical testing. Allele origin: germline.
Comment: This sequence change replaces threonine, which is neutral and polar, with asparagine, which is neutral and polar, at codon 2042 of the DYNC1H1 protein (p.Thr2042Asn). This variant is not present in population databases (gnomAD no frequency). This variant has not been reported in the literature in individuals affected with DYNC1H1-related conditions. Advanced modeling of protein sequence and biophysical properties (such as structural, functional, and spatial information, amino acid conservation, physicochemical variation, residue mobility, and thermodynamic stability) performed at Invitae indicates that this missense variant is not expected to disrupt DYNC1H1 protein function with a negative predictive value of 95%. In summary, the available evidence is currently insufficient to determine the role of this variant in disease. Therefore, it has been classified as a Variant of Uncertain Significance.